The following is an entry in ClinVar:

ClinVar aggregate classification (germline): Uncertain significance (1 of 4 stars; one submission).

Conditions:
Congenital myasthenic syndrome 8. Also called: Myasthenic syndrome, congenital, 8, with pre- and postsynaptic defects; MYASTHENIC SYNDROME, CONGENITAL, DUE TO AGRIN DEFICIENCY. Identifiers: Orphanet 590, MedGen C3808739, MONDO:0014052, OMIM 615120.

Allele frequency attached by ClinVar (database versions not stated): gnomAD exomes 0.00001 and 0.00002; ExAC 0.00002; TOPMed 0.00002.
gnomAD v4.1: 18 of 1,609,194 alleles (0.0011%); highest among the groups gnomAD compares: South Asian, 0.0033%; no homozygotes.

Submission:

Labcorp Genetics (formerly Invitae), Labcorp
Classification: Uncertain significance for Congenital myasthenic syndrome 8. Last evaluated: 2022-02-03. Review status: criteria provided, single submitter. Criteria: Invitae Variant Classification Sherloc (09022015). Collection method: clinical testing. Allele origin: germline.
Comment: In summary, the available evidence is currently insufficient to determine the role of this variant in disease. Therefore, it has been classified as a Variant of Uncertain Significance. Algorithms developed to predict the effect of missense changes on protein structure and function are either unavailable or do not agree on the potential impact of this missense change (SIFT: "Deleterious"; PolyPhen-2: "Probably Damaging"; Align-GVGD: "Class C0"). ClinVar contains an entry for this variant (Variation ID: 1046332). This variant has not been reported in the literature in individuals affected with AGRN-related conditions. This variant is present in population databases (rs749918192, gnomAD 0.007%). This sequence change replaces proline, which is neutral and non-polar, with leucine, which is neutral and non-polar, at codon 627 of the AGRN protein (p.Pro627Leu).

NM_198576.4(AGRN):c.1880C>T (p.Pro627Leu)

Gene: AGRN (agrin; plus strand). Cytogenetic location: 1p36.33.
Variant type: single nucleotide variant.
Coding change: c.1880C>T on transcript NM_198576.4 (MANE Select); coding-DNA position 1880, C replaced by T.
Protein change: p.Pro627Leu; replaces proline 627 with leucine.
Molecular consequence: missense variant.
Genome position (GRCh38, 1-based): chr1:1,043,904, C>T. VCF-style: chr1-1043904-C-T. GRCh37 (hg19) VCF-style: chr1-979284-C-T.
Other names: c.1880C>T, p.Pro627Leu (NM_001305275.2); c.1565C>T, p.Pro522Leu (NM_001364727.2); short protein forms P522L, P627L.
Identifiers: ClinVar variation 1046332 (VCV001046332.8), dbSNP rs749918192, ClinGen allele CA508367.
Genomic context (GRCh38, chr1:1,043,904, plus strand): 5'-GTGCTTTTGGGGCTGTGTGCTCCGCAGGGCAGTGTGTGTGTCCCCGGTGTGAGCACCCCC[C>T]GCCCGGCCCCGTGTGTGGCAGCGACGGTGTCACCTACGGCAGTGCCTGCGAGCTACGGGA-3'
Protein context (NP_940978.2, residues 617-637): QCVCPRCEHP[Pro627Leu]PGPVCGSDGV